The following is an entry in ClinVar:

NM_020884.7(MYH7B):c.3366G>A (p.Ala1122=)

Gene: MYH7B (myosin heavy chain 7B; plus strand). Cytogenetic location: 20q11.22.
Variant type: single nucleotide variant.
Coding change: c.3366G>A on transcript NM_020884.7 (MANE Select); coding-DNA position 3366, G replaced by A.
Protein change: p.Ala1122=; no amino-acid change (alanine 1122 retained).
Molecular consequence: synonymous variant.
Genome position (GRCh38, 1-based): chr20:34,997,259, G>A. VCF-style: chr20-34997259-G-A. GRCh37 (hg19) VCF-style: chr20-33585062-G-A.
Other names: c.3492G>A (NM_020884.4).
Identifiers: ClinVar variation 2054806 (VCV002054806.6), dbSNP rs940124456, ClinGen allele CA9827716.

ClinVar aggregate classification (germline): Likely benign. Review status: criteria provided, single submitter (1 of 4 stars). 2 submissions from 2 submitters: Likely benign (1). 1 of the submissions does not count toward it. Last evaluated 2025-09-02.

Conditions:
MYH7B-related disorder. Also called: MYH7B-related condition.

Allele frequency attached by ClinVar (database versions not stated): ExAC 0.00005; gnomAD 0.00001; TOPMed 0.00001; gnomAD exomes 0.00001.
gnomAD v4.1: 14 of 1,558,274 alleles (0.0009%); highest among the groups gnomAD compares: East Asian, 0.0024%; no homozygotes.

Submissions (2):

Labcorp Genetics (formerly Invitae), Labcorp
Classification: Likely benign. Last evaluated: 2025-09-02. Review status: criteria provided, single submitter. Criteria: Invitae Variant Classification Sherloc (09022015). Collection method: clinical testing. Allele origin: germline.

PreventionGenetics, part of Exact Sciences
Classification: Likely benign for MYH7B-related condition. Last evaluated: 2019-03-04. Review status: no assertion criteria provided. Collection method: clinical testing. Allele origin: germline. Not counted in ClinVar's aggregate classification.
Comment: This variant is classified as likely benign based on ACMG/AMP sequence variant interpretation guidelines (Richards et al. 2015 PMID: 25741868, with internal and published modifications).